The following is an entry in ClinVar:

ClinVar aggregate classification (germline): Uncertain significance (1 of 4 stars; one submission).

Submission:

Labcorp Genetics (formerly Invitae), Labcorp
Classification: Uncertain significance. Last evaluated: 2022-07-19. Review status: criteria provided, single submitter. Criteria: Invitae Variant Classification Sherloc (09022015). Collection method: clinical testing. Allele origin: germline.
Comment: ClinVar contains an entry for this variant (Variation ID: 1444073). This variant has not been reported in the literature in individuals affected with TTLL5-related conditions. This variant is not present in population databases (gnomAD no frequency). This sequence change replaces histidine, which is basic and polar, with tyrosine, which is neutral and polar, at codon 728 of the TTLL5 protein (p.His728Tyr). Algorithms developed to predict the effect of missense changes on protein structure and function are either unavailable or do not agree on the potential impact of this missense change (SIFT: "Tolerated"; PolyPhen-2: "Possibly Damaging"; Align-GVGD: "Class C0"). In summary, the available evidence is currently insufficient to determine the role of this variant in disease. Therefore, it has been classified as a Variant of Uncertain Significance.

NM_015072.5(TTLL5):c.2182C>T (p.His728Tyr)

Gene: TTLL5 (tubulin tyrosine ligase like 5; plus strand). Cytogenetic location: 14q24.3.
Variant type: single nucleotide variant.
Coding change: c.2182C>T on transcript NM_015072.5 (MANE Select); coding-DNA position 2182, C replaced by T.
Protein change: p.His728Tyr; replaces histidine 728 with tyrosine.
Molecular consequence: missense variant.
Genome position (GRCh38, 1-based): chr14:75,775,529, C>T. VCF-style: chr14-75775529-C-T. GRCh37 (hg19) VCF-style: chr14-76241872-C-T.
Other names: short protein forms H728Y.
Identifiers: ClinVar variation 1444073 (VCV001444073.8), dbSNP rs2140317232, ClinGen allele CA390469149.